The following is an entry in ClinVar:

NM_016222.4(DDX41):c.736C>G (p.Gln246Glu)

Gene: DDX41 (DEAD-box helicase 41; minus strand). Cytogenetic location: 5q35.3.
Variant type: single nucleotide variant.
Coding change: c.736C>G on transcript NM_016222.4 (MANE Select); coding-DNA position 736, C replaced by G.
Protein change: p.Gln246Glu; replaces glutamine 246 with glutamic acid.
Molecular consequence: missense variant.
Genome position (GRCh38, 1-based): chr5:177,514,978, G>C on the plus strand (C>G on the coding strand, the complement: DDX41 is on the minus strand). VCF-style: chr5-177514978-G-C. GRCh37 (hg19) VCF-style: chr5-176941979-G-C.
Other names: c.736C>G (NM_016222.3); c.358C>G, p.Gln120Glu (NM_001321732.2, NM_001321830.2); short protein forms Q246E, Q120E.
Identifiers: ClinVar variation 4238725 (VCV004238725.2).
Genomic context (GRCh38, chr5:177,514,978, plus strand): 5'-AGGGGCAGATGATGAGTCCATAGGGCCCCTCGCGCTTTGAGAAGGGTAACCTCTTCTCTT[G>C]TTCCAGGCAGAACATGATGACGGGCAACGTGAACACCAGTGTCTTGCCTGAACCCGTGAA-3'
Protein context (NP_057306.2, residues 236-256): TLPVIMFCLE[Gln246Glu]EKRLPFSKRE

ClinVar aggregate classification (germline): Uncertain significance. Review status: criteria provided, multiple submitters, no conflicts (2 of 4 stars). 2 submissions from 2 submitters: Uncertain significance (2). Last evaluated 2025-07-02.

Conditions:
DDX41-related disorder. Also called: DDX41-related condition.
Inborn genetic diseases. Identifiers: MedGen C0950123, MeSH D030342.

gnomAD v4.1: 8 of 1,613,626 alleles (0.0005%); highest among the groups gnomAD compares: South Asian, 0.0011%; no homozygotes.

Submissions (2):

Ambry Genetics
Classification: Uncertain significance for Inborn genetic diseases. Last evaluated: 2025-07-02. Review status: criteria provided, single submitter. Criteria: Ambry Variant Classification Scheme 2023. Collection method: clinical testing. Allele origin: germline.
Comment: The p.Q246E variant (also known as c.736C>G), located in coding exon 8 of the DDX41 gene, results from a C to G substitution at nucleotide position 736. The glutamine at codon 246 is replaced by glutamic acid, an amino acid with highly similar properties. This amino acid position is highly conserved in available vertebrate species. In addition, this alteration is predicted to be tolerated by in silico analysis. Based on the available evidence, the clinical significance of this variant remains unclear.

PreventionGenetics, part of Exact Sciences
Classification: Uncertain significance for DDX41-related condition. Last evaluated: 2025-01-24. Review status: criteria provided, single submitter. Criteria: ACMG Guidelines, 2015. Collection method: clinical testing. Allele origin: germline.
Comment: The DDX41 c.736C>G variant is predicted to result in the amino acid substitution p.Gln246Glu. To our knowledge, this variant has not been reported in the literature. This variant is reported in 0.0039% of alleles in individuals of European (Non-Finnish) descent in gnomAD. At this time, the clinical significance of this variant is uncertain due to the absence of conclusive functional and genetic evidence.